The following is an entry in ClinVar:

ClinVar aggregate classification (germline): Likely benign. Review status: criteria provided, multiple submitters, no conflicts (2 of 4 stars). 2 submissions from 2 submitters: Likely benign (2). Last evaluated 2024-09-12.

Conditions:
Developmental and epileptic encephalopathy, 11 (DEE11). Also called: Early infantile epileptic encephalopathy 11. Identifiers: Orphanet 1934, MedGen C3150987, MONDO:0013388, OMIM 613721.
Seizures, benign familial infantile, 3 (BFIS3). Also called: CONVULSIONS, BENIGN FAMILIAL INFANTILE, 3; Familial neonatal seizures. Identifiers: Orphanet 140927, Orphanet 306, MedGen C1843140, MONDO:0011904, OMIM 607745.

gnomAD v4.1: 1 of 1,613,580 alleles (0.000062%); highest among the groups gnomAD compares: Non-Finnish European, 0.000085%; no homozygotes.

Submissions (2):

Labcorp Genetics (formerly Invitae), Labcorp
Classification: Likely benign for Seizures, benign familial infantile, 3; Developmental and epileptic encephalopathy, 11. Last evaluated: 2024-09-12. Review status: criteria provided, single submitter. Criteria: Invitae Variant Classification Sherloc (09022015). Collection method: clinical testing. Allele origin: germline.

CeGaT Center for Human Genetics Tuebingen
Classification: Likely benign. Last evaluated: 2022-12-01. Review status: criteria provided, single submitter. Criteria: CeGaT Center For Human Genetics Tuebingen Variant Classification Criteria Version 2. Collection method: clinical testing. Allele origin: germline. Affected: yes. Observed: 1 variant allele.
Comment: SCN2A: BP4, BP7

NM_001040142.2(SCN2A):c.3456C>A (p.Ala1152=)

Gene: SCN2A (sodium voltage-gated channel alpha subunit 2; plus strand). Cytogenetic location: 2q24.3.
Variant type: single nucleotide variant.
Coding change: c.3456C>A on transcript NM_001040142.2 (MANE Select); coding-DNA position 3456, C replaced by A.
Protein change: p.Ala1152=; no amino-acid change (alanine 1152 retained).
Molecular consequence: synonymous variant.
Genome position (GRCh38, 1-based): chr2:165,365,199, C>A. VCF-style: chr2-165365199-C-A. GRCh37 (hg19) VCF-style: chr2-166221709-C-A.
Other names: c.3456C>A, p.Ala1152= (NM_001040143.2, NM_001371246.1, NM_001371247.1 and 1 more transcripts).
Identifiers: ClinVar variation 2651488 (VCV002651488.27), dbSNP rs144325450, ClinGen allele CA429885900.
Genomic context (GRCh38, chr2:165,365,199, plus strand): 5'-TCAGAAGCTAAATGCAACTAGTTCATCTGAAGGCAGCACGGTTGATATTGGAGCTCCCGC[C>A]GAGGGAGAACAGCCTGAGGTTGAACCTGAGGAATCCCTTGAACCTGAAGCCTGTTTTACA-3'
Protein context (NP_001035232.1, residues 1142-1162): EGSTVDIGAP[Ala1152=]EGEQPEVEPE